The following is an entry in ClinVar:

ClinVar aggregate classification (germline): Likely benign. Review status: criteria provided, single submitter (1 of 4 stars). 2 submissions from 2 submitters: Likely benign (1). 1 of the submissions does not count toward it. Last evaluated 2023-03-22.

Conditions:
NDUFS3-related disorder. Also called: NDUFS3-Related Disorders; NDUFS3-related condition.

Allele frequency attached by ClinVar (database versions not stated): gnomAD exomes below 0.00001.
gnomAD v4.1: 2 of 1,614,132 alleles (0.00012%); highest among the groups gnomAD compares: African/African-American, 0.0027%; no homozygotes.

Submissions (2):

Labcorp Genetics (formerly Invitae), Labcorp
Classification: Likely benign. Last evaluated: 2023-03-22. Review status: criteria provided, single submitter. Criteria: Invitae Variant Classification Sherloc (09022015). Collection method: clinical testing. Allele origin: germline.

PreventionGenetics, part of Exact Sciences
Classification: Likely benign for NDUFS3-related condition. Last evaluated: 2020-03-23. Review status: no assertion criteria provided. Collection method: clinical testing. Allele origin: germline. Not counted in ClinVar's aggregate classification.
Comment: This variant is classified as likely benign based on ACMG/AMP sequence variant interpretation guidelines (Richards et al. 2015 PMID: 25741868, with internal and published modifications).

NM_004551.3(NDUFS3):c.732C>T (p.Val244=)

Gene: NDUFS3 (NADH:ubiquinone oxidoreductase core subunit S3; plus strand). Cytogenetic location: 11p11.2.
Variant type: single nucleotide variant.
Coding change: c.732C>T on transcript NM_004551.3 (MANE Select); coding-DNA position 732, C replaced by T.
Protein change: p.Val244=; no amino-acid change (valine 244 retained).
Molecular consequence: synonymous variant.
Genome position (GRCh38, 1-based): chr11:47,584,418, C>T. VCF-style: chr11-47584418-C-T. GRCh37 (hg19) VCF-style: chr11-47605970-C-T.
Other names: c.732C>T (NM_004551.2).
Identifiers: ClinVar variation 2806992 (VCV002806992.5), dbSNP rs2097270170, ClinGen allele CA474221029.